The following is an entry in ClinVar:

NM_004928.3(CFAP410):c.515G>A (p.Arg172Gln)

Gene: CFAP410 (cilia and flagella associated protein 410; minus strand). Cytogenetic location: 21q22.3.
Variant type: single nucleotide variant.
Coding change: c.515G>A on transcript NM_004928.3 (MANE Select); coding-DNA position 515, G replaced by A.
Protein change: p.Arg172Gln; replaces arginine 172 with glutamine.
Molecular consequence: missense variant.
Genome position (GRCh38, 1-based): chr21:44,331,873, C>T on the plus strand (G>A on the coding strand, the complement: CFAP410 is on the minus strand). VCF-style: chr21-44331873-C-T. GRCh37 (hg19) VCF-style: chr21-45751756-C-T.
Other names: c.515G>A, p.Arg172Gln (NM_001271440.2, NM_001271441.2); c.392G>A, p.Arg131Gln (NM_001271442.1); short protein forms R131Q, R172Q.
Identifiers: ClinVar variation 954924 (VCV000954924.7), dbSNP rs755005560, ClinGen allele CA10053649.
Genomic context (GRCh38, chr21:44,331,873, plus strand): 5'-TGCGGAGTCCCCGCTGCCCTCCAGCCTCACGTTGCCTCCTCCTCGCTGTCCAGCGGGTCC[C>T]GGCCAGTCTCAGCAGCGGAGCTGAGGGAGCTCAGTGTGCAGCATAGCTTGGGGCCGCCGT-3'
Protein context (NP_004919.1, residues 162-182): SSLSSAAETG[Arg172Gln]DPLDSEEEAT

ClinVar aggregate classification (germline): Uncertain significance. Review status: criteria provided, multiple submitters, no conflicts (2 of 4 stars). 2 submissions from 2 submitters: Uncertain significance (2). Last evaluated 2024-02-24.

Allele frequency attached by ClinVar (database versions not stated): gnomAD exomes 0.00002 and 0.00003; gnomAD 0.00003 and 0.00004; TOPMed 0.00003; ExAC 0.00004.
gnomAD v4.1: 51 of 1,612,144 alleles (0.0032%); highest among the groups gnomAD compares: East Asian, 0.018%; no homozygotes.

Submissions (2):

Labcorp Genetics (formerly Invitae), Labcorp
Classification: Uncertain significance. Last evaluated: 2024-02-24. Review status: criteria provided, single submitter. Criteria: Invitae Variant Classification Sherloc (09022015). Collection method: clinical testing. Allele origin: germline.
Comment: This sequence change replaces arginine, which is basic and polar, with glutamine, which is neutral and polar, at codon 172 of the CFAP410 protein (p.Arg172Gln). This variant is present in population databases (rs755005560, gnomAD 0.01%). This variant has not been reported in the literature in individuals affected with CFAP410-related conditions. ClinVar contains an entry for this variant (Variation ID: 954924). Advanced modeling of protein sequence and biophysical properties (such as structural, functional, and spatial information, amino acid conservation, physicochemical variation, residue mobility, and thermodynamic stability) performed at Invitae indicates that this missense variant is not expected to disrupt CFAP410 protein function with a negative predictive value of 80%. In summary, the available evidence is currently insufficient to determine the role of this variant in disease. Therefore, it has been classified as a Variant of Uncertain Significance.

Blueprint Genetics
Classification: Uncertain significance. Last evaluated: 2021-05-31. Review status: criteria provided, single submitter. Criteria: ACMG Guidelines, 2015. Collection method: clinical testing. Allele origin: germline.